The following is an entry in ClinVar:

ClinVar aggregate classification (germline): Pathogenic (1 of 4 stars; one submission).

Conditions:
Cholestanol storage disease (CTX). Also called: CEREBRAL CHOLESTERINOSIS; Cerebrotendinous Xanthomatosis; CTX: Cerebrotendinous xanthomatosis. Identifiers: Orphanet 909, MedGen C0238052, MONDO:0008948, OMIM 213700.

Submission:

Myriad Genetics, Inc.
Classification: Pathogenic for Cholestanol storage disease. Last evaluated: 2026-07-28. Review status: criteria provided, single submitter. Criteria: Myriad Autosomal Dominant, Autosomal Recessive and X-Linked Classification Criteria (2023). Collection method: clinical testing. Allele origin: unknown.
Comment: NM_000784.3(CYP27A1):c.780G>A(W260*) is expected to be pathogenic in the context of cerebrotendinous xanthomatosis. This variant is predicted to lead to an abnormal or absent protein product due to the creation of a premature termination codon in CYP27A1, a gene where loss-of-function variants are known to be pathogenic. Please note: this variant was assessed in the context of healthy population screening.

NM_000784.4(CYP27A1):c.780G>A (p.Trp260Ter)

Gene: CYP27A1 (cytochrome P450 family 27 subfamily A member 1; plus strand). Cytogenetic location: 2q35.
Variant type: single nucleotide variant.
Coding change: c.780G>A on transcript NM_000784.4 (MANE Select); coding-DNA position 780, G replaced by A.
Protein change: p.Trp260Ter; replaces tryptophan 260 with a stop codon.
Molecular consequence: nonsense.
Genome position (GRCh38, 1-based): chr2:218,812,685, G>A. VCF-style: chr2-218812685-G-A. GRCh37 (hg19) VCF-style: chr2-219677408-G-A.
Other names: short protein forms W260*.
Identifiers: ClinVar variation 5016166 (VCV005016166.1).